The following is an entry in ClinVar:

ClinVar aggregate classification (germline): Uncertain significance (1 of 4 stars; one submission).

Conditions:
Inborn genetic diseases. Identifiers: MedGen C0950123, MeSH D030342.

gnomAD v4.1: 5 of 1,204,205 alleles (0.00042%); highest among the groups gnomAD compares: African/African-American, 0.0052%; no homozygotes.

Submission:

Ambry Genetics
Classification: Uncertain significance for Inborn genetic diseases. Last evaluated: 2026-09-02. Review status: criteria provided, single submitter. Criteria: Ambry Variant Classification Scheme 2023. Collection method: clinical testing. Allele origin: germline.
Comment: The c.565A>G (p.T189A) alteration is located in exon 5 (coding exon 4) of the IL1RAPL1 gene. This alteration results from a A to G substitution at nucleotide position 565, causing the threonine (T) at amino acid position 189 to be replaced by an alanine (A). Based on data from gnomAD, the G allele has an overall frequency of 0.005% (1/21982) total alleles studied. The highest observed frequency was 0.017% (1/5958) of African alleles. Based on insufficient or conflicting evidence, the clinical significance of this alteration remains unclear.

NM_014271.4(IL1RAPL1):c.565A>G (p.Thr189Ala)

Gene: IL1RAPL1 (interleukin 1 receptor accessory protein like 1; plus strand). Cytogenetic location: Xp21.2.
Variant type: single nucleotide variant.
Coding change: c.565A>G on transcript NM_014271.4 (MANE Select); coding-DNA position 565, A replaced by G.
Protein change: p.Thr189Ala; replaces threonine 189 with alanine.
Molecular consequence: missense variant.
Genome position (GRCh38, 1-based): chrX:29,399,170, A>G. VCF-style: chrX-29399170-A-G. GRCh37 (hg19) VCF-style: chrX-29417287-A-G.
Other names: short protein forms T189A.
Identifiers: ClinVar variation 5022784 (VCV005022784.1).